The following is an entry in ClinVar:

ClinVar aggregate classification (germline): Uncertain significance. Review status: criteria provided, multiple submitters, no conflicts (2 of 4 stars). 2 submissions from 2 submitters: Uncertain significance (2). Last evaluated 2024-03-12.

Submissions (2):

Blueprint Genetics
Classification: Uncertain significance. Last evaluated: 2024-03-12. Review status: criteria provided, single submitter. Criteria: ACMG Guidelines, 2015. Collection method: clinical testing. Allele origin: germline.

GeneDx
Classification: Uncertain significance. Last evaluated: 2022-10-27. Review status: criteria provided, single submitter. Criteria: GeneDx Variant Classification Process June 2021. Collection method: clinical testing. Allele origin: germline. Affected: yes.
Comment: Not observed at significant frequency in large population cohorts (gnomAD); In silico analysis supports that this missense variant has a deleterious effect on protein structure/function; Has not been previously published as pathogenic or benign to our knowledge

NM_004595.5(SMS):c.382G>A (p.Asp128Asn)

Gene: SMS (spermine synthase; plus strand). Cytogenetic location: Xp22.11.
Variant type: single nucleotide variant.
Coding change: c.382G>A on transcript NM_004595.5 (MANE Select); coding-DNA position 382, G replaced by A.
Protein change: p.Asp128Asn; replaces aspartic acid 128 with asparagine.
Molecular consequence: missense variant.
Genome position (GRCh38, 1-based): chrX:21,977,113, G>A. VCF-style: chrX-21977113-G-A. GRCh37 (hg19) VCF-style: chrX-21995231-G-A.
Other names: c.223G>A, p.Asp75Asn (NM_001258423.2); short protein forms D128N, D75N.
Identifiers: ClinVar variation 2500530 (VCV002500530.2), dbSNP rs2519669279, ClinGen allele CA412567187.